The following continues an entry in ClinVar:

NM_000492.4(CFTR):c.14C>T (p.Pro5Leu)

Gene: CFTR. ClinVar aggregate classification (germline): Pathogenic/Likely pathogenic. Pathogenic (12); Likely pathogenic (13).

Submissions 23 to 26 of 26:

Eurofins Ntd Llc (ga)
Classification: Likely pathogenic. Last evaluated: 2017-11-20. Review status: criteria provided, single submitter. Criteria: EGL Classification Definitions 2015. Collection method: clinical testing. Allele origin: germline. Observed: 1 variant allele, 1 heterozygote.

Baylor Genetics
Classification: Likely pathogenic for Congenital bilateral aplasia of vas deferens from CFTR mutation; Cystic fibrosis. Review status: criteria provided, single submitter. Criteria: ACMG Guidelines, 2015. Collection method: clinical testing. Allele origin: germline.

Clinical Genetics Service, Universitary Hospital 12 de Octubre
Classification: Pathogenic for Cystic fibrosis. Review status: criteria provided, single submitter. Criteria: ACMG Guidelines, 2015. Collection method: clinical testing. Allele origin: maternal. Affected: yes.

Counsyl
Classification: Likely pathogenic for Cystic fibrosis. Last evaluated: 2014-03-13. Review status: no assertion criteria provided. Collection method: literature only. Allele origin: unknown. Inheritance: Autosomal recessive inheritance. Not counted in ClinVar's aggregate classification.

Literature cited by the submitters: PubMed 18306312 (cited by 7 submitters); PubMed 19724303 (cited by 5 submitters); PubMed 21520337 (cited by 7 submitters); PubMed 21983161 (cited by 8 submitters); PubMed 25910067 (cited by 3 submitters); PubMed 17235394 (cited by 5 submitters); PubMed 29805046 (cited by 5 submitters); PubMed 30046002 (cited by Labcorp Genetics (formerly Invitae), Labcorp and Quest Diagnostics Nichols Institute San Juan Capistrano); PubMed 9439669 (cited by 7 submitters); PubMed 34860163 (cited by New York Genome Center); PubMed 17594398 (cited by 5 submitters); PubMed 17594397 (cited by 5 submitters); PubMed 25658530 (cited by 3 submitters); PubMed 17137500 (cited by 3 submitters); PubMed 17331079 (cited by 4 submitters); PubMed 19318035 (cited by 3 submitters); PubMed 19897426 (cited by 4 submitters); PubMed 23430892 (cited by Ambry Genetics and Quest Diagnostics Nichols Institute San Juan Capistrano); PubMed 25754095 (cited by Ambry Genetics and Quest Diagnostics Nichols Institute San Juan Capistrano); PubMed 30134826 (cited by Ambry Genetics and Quest Diagnostics Nichols Institute San Juan Capistrano); PubMed 38388235 (cited by Johns Hopkins Genomics, Johns Hopkins University); PubMed 33374015 (cited by Quest Diagnostics Nichols Institute San Juan Capistrano and Women's Health and Genetics/Laboratory Corporation of America, LabCorp); PubMed 28603918 (cited by Quest Diagnostics Nichols Institute San Juan Capistrano); PubMed 27264265 (cited by Quest Diagnostics Nichols Institute San Juan Capistrano and Women's Health and Genetics/Laboratory Corporation of America, LabCorp); PubMed 15758663 (cited by Quest Diagnostics Nichols Institute San Juan Capistrano and Women's Health and Genetics/Laboratory Corporation of America, LabCorp); PubMed 11938439 (cited by Quest Diagnostics Nichols Institute San Juan Capistrano and Women's Health and Genetics/Laboratory Corporation of America, LabCorp); PubMed 31328366 (cited by Quest Diagnostics Nichols Institute San Juan Capistrano); PubMed 20351098 (cited by Quest Diagnostics Nichols Institute San Juan Capistrano and Women's Health and Genetics/Laboratory Corporation of America, LabCorp); PubMed 28736296 (cited by Quest Diagnostics Nichols Institute San Juan Capistrano and Women's Health and Genetics/Laboratory Corporation of America, LabCorp); PubMed 20351101 (cited by 3 submitters); PubMed 34426522 (cited by Quest Diagnostics Nichols Institute San Juan Capistrano); PubMed 34996830 (cited by Quest Diagnostics Nichols Institute San Juan Capistrano); PubMed 25735457 (cited by Women's Health and Genetics/Laboratory Corporation of America, LabCorp).